The following is an entry in ClinVar:

NM_015378.4(VPS13D):c.10801T>A (p.Phe3601Ile)

Gene: VPS13D (vacuolar protein sorting 13 homolog D; plus strand). Cytogenetic location: 1p36.22.
Variant type: single nucleotide variant.
Coding change: c.10801T>A on transcript NM_015378.4 (MANE Select); coding-DNA position 10801, T replaced by A.
Protein change: p.Phe3601Ile; replaces phenylalanine 3601 with isoleucine.
Molecular consequence: missense variant.
Genome position (GRCh38, 1-based): chr1:12,369,695, T>A. VCF-style: chr1-12369695-T-A. GRCh37 (hg19) VCF-style: chr1-12429750-T-A.
Other names: c.10801T>A (NM_015378.2); c.10726T>A, p.Phe3576Ile (NM_018156.4); short protein forms F3576I, F3601I.
Identifiers: ClinVar variation 1974753 (VCV001974753.3), dbSNP rs752896208, ClinGen allele CA603783.

ClinVar aggregate classification (germline): Uncertain significance. Review status: criteria provided, multiple submitters, no conflicts (2 of 4 stars). 2 submissions from 2 submitters: Uncertain significance (2). Last evaluated 2025-10-30.

Conditions:
Inborn genetic diseases. Identifiers: MedGen C0950123, MeSH D030342.

Allele frequency attached by ClinVar (database versions not stated): ExAC 0.00001; gnomAD exomes 0.00001.
gnomAD v4.1: 31 of 1,613,340 alleles (0.0019%); highest among the groups gnomAD compares: African/African-American, 0.031%; no homozygotes.

Submissions (2):

Ambry Genetics
Classification: Uncertain significance for Inborn genetic diseases. Last evaluated: 2025-10-30. Review status: criteria provided, single submitter. Criteria: Ambry Variant Classification Scheme 2023. Collection method: clinical testing. Allele origin: germline.

Labcorp Genetics (formerly Invitae), Labcorp
Classification: Uncertain significance. Last evaluated: 2022-05-25. Review status: criteria provided, single submitter. Criteria: Invitae Variant Classification Sherloc (09022015). Collection method: clinical testing. Allele origin: germline.
Comment: This sequence change replaces phenylalanine, which is neutral and non-polar, with isoleucine, which is neutral and non-polar, at codon 3601 of the VPS13D protein (p.Phe3601Ile). This variant is present in population databases (rs752896208, gnomAD 0.02%). This variant has not been reported in the literature in individuals affected with VPS13D-related conditions. Algorithms developed to predict the effect of missense changes on protein structure and function are either unavailable or do not agree on the potential impact of this missense change (SIFT: "Deleterious"; PolyPhen-2: "Probably Damaging"; Align-GVGD: "Class C0"). In summary, the available evidence is currently insufficient to determine the role of this variant in disease. Therefore, it has been classified as a Variant of Uncertain Significance.